The following is an entry in ClinVar:

ClinVar aggregate classification (germline): Likely benign. Review status: criteria provided, multiple submitters, no conflicts (2 of 4 stars). 3 submissions from 3 submitters: Likely benign (3). Last evaluated 2026-02-21.

Conditions:
ABHD12-related disorder. Also called: ABHD12-related condition.

Allele frequency attached by ClinVar (database versions not stated): gnomAD 0.00003; TOPMed 0.00004; ExAC 0.00007; gnomAD exomes 0.00002.
gnomAD v4.1: 36 of 1,614,094 alleles (0.0022%); highest among the groups gnomAD compares: African/African-American, 0.0067%; no homozygotes.

Submissions (3):

PreventionGenetics, part of Exact Sciences
Classification: Likely benign for ABHD12-related condition. Last evaluated: 2026-02-21. Review status: criteria provided, single submitter. Criteria: ACMG Guidelines, 2015. Collection method: clinical testing. Allele origin: germline.
Comment: This variant is classified as likely benign based on ACMG/AMP sequence variant interpretation guidelines (Richards et al. 2015 PMID: 25741868, with internal and published modifications).

Labcorp Genetics (formerly Invitae), Labcorp
Classification: Likely benign. Last evaluated: 2025-02-04. Review status: criteria provided, single submitter. Criteria: Invitae Variant Classification Sherloc (09022015). Collection method: clinical testing. Allele origin: germline.

Blueprint Genetics
Classification: Likely benign. Last evaluated: 2022-12-21. Review status: criteria provided, single submitter. Criteria: ACMG Guidelines, 2015. Collection method: clinical testing. Allele origin: germline.

NM_001042472.3(ABHD12):c.669C>T (p.Asp223=)

Genes: ABHD12 (abhydrolase domain containing 12, lysophospholipase; minus strand), LOC126863008 (CDK7 strongly-dependent group 2 enhancer GRCh37_chr20:25289826-25291025; plus strand). Cytogenetic location: 20p11.21.
Variant type: single nucleotide variant.
Coding change: c.669C>T on transcript NM_001042472.3 (MANE Select); coding-DNA position 669, C replaced by T.
Protein change: p.Asp223=; no amino-acid change (aspartic acid 223 retained).
Molecular consequence: synonymous variant.
Genome position (GRCh38, 1-based): chr20:25,309,526, G>A on the plus strand (C>T on the coding strand, the complement: ABHD12 is on the minus strand). VCF-style: chr20-25309526-G-A. GRCh37 (hg19) VCF-style: chr20-25290162-G-A.
Other names: c.669C>T, p.Asp223= (NM_015600.5); c.669C>T (NM_001042472.2).
Identifiers: ClinVar variation 2103642 (VCV002103642.6), dbSNP rs758277786, ClinGen allele CA9796044.